The following is an entry in ClinVar:

ClinVar aggregate classification (germline): Uncertain significance. Review status: criteria provided, multiple submitters, no conflicts (2 of 4 stars). 2 submissions from 2 submitters: Uncertain significance (2). Last evaluated 2023-01-15.

Conditions:
Pure or complex autosomal recessive spastic paraplegia. Identifiers: Orphanet 320346, MedGen C5679887, MONDO:0017915.

Allele frequency attached by ClinVar (database versions not stated): gnomAD 0.00001 and 0.00002; TOPMed 0.00001; gnomAD exomes 0.00009; ExAC 0.00017.

Submissions (2):

Labcorp Genetics (formerly Invitae), Labcorp
Classification: Uncertain significance for Pure or complex autosomal recessive spastic paraplegia. Last evaluated: 2023-01-15. Review status: criteria provided, single submitter. Criteria: Invitae Variant Classification Sherloc (09022015). Collection method: clinical testing. Allele origin: germline.
Comment: In summary, the available evidence is currently insufficient to determine the role of this variant in disease. Therefore, it has been classified as a Variant of Uncertain Significance. Algorithms developed to predict the effect of missense changes on protein structure and function are either unavailable or do not agree on the potential impact of this missense change (SIFT: "Deleterious"; PolyPhen-2: "Not Available"; Align-GVGD: "Class C15"). ClinVar contains an entry for this variant (Variation ID: 1361527). This variant has not been reported in the literature in individuals affected with ZFR-related conditions. This variant is present in population databases (rs773933895, gnomAD 0.07%), and has an allele count higher than expected for a pathogenic variant. This sequence change replaces methionine, which is neutral and non-polar, with valine, which is neutral and non-polar, at codon 1038 of the ZFR protein (p.Met1038Val).

Ambry Genetics
Classification: Uncertain significance. Last evaluated: 2022-12-15. Review status: criteria provided, single submitter. Criteria: Ambry Variant Classification Scheme 2023. Collection method: clinical testing. Allele origin: germline.

NM_016107.5(ZFR):c.3112A>G (p.Met1038Val)

Gene: ZFR (zinc finger RNA binding protein; minus strand). Cytogenetic location: 5p13.3.
Variant type: single nucleotide variant.
Coding change: c.3112A>G on transcript NM_016107.5 (MANE Select); coding-DNA position 3112, A replaced by G.
Protein change: p.Met1038Val; replaces methionine 1038 with valine.
Molecular consequence: missense variant. On other transcripts: non-coding transcript variant (1).
Genome position (GRCh38, 1-based): chr5:32,355,873, T>C on the plus strand (A>G on the coding strand, the complement: ZFR is on the minus strand). VCF-style: chr5-32355873-T-C. GRCh37 (hg19) VCF-style: chr5-32355979-T-C.
Other names: c.3112A>G (NM_016107.3); short protein forms M1038V.
Identifiers: ClinVar variation 1361527 (VCV001361527.9), dbSNP rs773933895, ClinGen allele CA3221432.